The following is an entry in ClinVar:

ClinVar aggregate classification (germline): Conflicting classifications of pathogenicity. Review status: criteria provided, conflicting classifications (1 of 4 stars). 5 submissions from 5 submitters: Uncertain significance (1); Likely benign (4). Last evaluated 2026-10-01.

Conditions:
Classic homocystinuria. Also called: Homocystinuria due to Cystathionine Beta-Synthase Deficiency; Homocystinuria due to CBS deficiency; Cystathionine beta-synthase deficiency; CBS deficiency; HOMOCYSTINURIA WITH OR WITHOUT RESPONSE TO PYRIDOXINE. Identifiers: Orphanet 394, MedGen C0751202, MONDO:0009352, OMIM 236200.
HYPERHOMOCYSTEINEMIA, THROMBOTIC, CBS-RELATED. Identifiers: MedGen C3150344, OMIM 236200.
Familial thoracic aortic aneurysm and aortic dissection (TAAD). Also called: Thoracic aortic aneurysms and dissections. Identifiers: Orphanet 91387, MedGen C4707243, MONDO:0019625.

Allele frequency attached by ClinVar (database versions not stated): ExAC 0.00001; gnomAD exomes 0.00001.

Submissions (5):

CeGaT Center for Human Genetics Tuebingen
Classification: Likely benign. Last evaluated: 2026-10-01. Review status: criteria provided, single submitter. Criteria: CeGaT Center For Human Genetics Tuebingen Variant Classification Criteria Version 2. Collection method: clinical testing. Allele origin: germline. Affected: yes. Observed: 2 variant alleles.
Comment: CBS: PM2:Supporting, BP4, BP7

Labcorp Genetics (formerly Invitae), Labcorp
Classification: Likely benign for HYPERHOMOCYSTEINEMIA, THROMBOTIC, CBS-RELATED. Last evaluated: 2025-07-30. Review status: criteria provided, single submitter. Criteria: Invitae Variant Classification Sherloc (09022015). Collection method: clinical testing. Allele origin: germline.

Blueprint Genetics
Classification: Likely benign. Last evaluated: 2024-11-13. Review status: criteria provided, single submitter. Criteria: ACMG Guidelines, 2015. Collection method: clinical testing. Allele origin: germline.

Ambry Genetics
Classification: Likely benign for Familial thoracic aortic aneurysm and aortic dissection. Last evaluated: 2019-12-05. Review status: criteria provided, single submitter. Criteria: Ambry Variant Classification Scheme 2023. Collection method: clinical testing. Allele origin: germline.

Illumina Laboratory Services, Illumina
Classification: Uncertain significance for Classic homocystinuria. Last evaluated: 2018-01-12. Review status: criteria provided, single submitter. Criteria: ICSL Variant Classification Criteria 13 December 2019. Collection method: clinical testing. Allele origin: germline.

NM_000071.3(CBS):c.1065G>A (p.Ala355=)

Gene: CBS (cystathionine beta-synthase; minus strand). Cytogenetic location: 21q22.3.
Variant type: single nucleotide variant.
Coding change: c.1065G>A on transcript NM_000071.3 (MANE Select); coding-DNA position 1065, G replaced by A.
Protein change: p.Ala355=; no amino-acid change (alanine 355 retained).
Molecular consequence: synonymous variant.
Genome position (GRCh38, 1-based): chr21:43,060,521, C>T on the plus strand (G>A on the coding strand, the complement: CBS is on the minus strand). VCF-style: chr21-43060521-C-T. GRCh37 (hg19) VCF-style: chr21-44480631-C-T.
Other names: c.1065G>A, p.Ala355= (NM_001178008.3, NM_001178009.3, NM_001320298.2); c.750G>A, p.Ala250= (NM_001321072.1).
Identifiers: ClinVar variation 538702 (VCV000538702.55), dbSNP rs748552493, ClinGen allele CA321689824.
Genomic context (GRCh38, chr21:43,060,521, plus strand): 5'-GGGCAGAATGACCACGCAGCGCTGGCCCTCCTGCAGCTCCTGCGCGGCCTTCACGGCCAC[C>T]GCCACCGTGCTGCCAGCACTGCCACCTGCAGAGAGGGCCACGAGTCAGACGCGCCAGGGT-3'
Protein context (NP_000062.1, residues 345-365): LCGGSAGSTV[Ala355=]VAVKAAQELQ